The following is an entry in ClinVar:

NM_001754.5(RUNX1):c.173T>C (p.Leu58Pro)

Gene: RUNX1 (RUNX family transcription factor 1; minus strand). Cytogenetic location: 21q22.12.
Variant type: single nucleotide variant.
Coding change: c.173T>C on transcript NM_001754.5 (MANE Select); coding-DNA position 173, T replaced by C.
Protein change: p.Leu58Pro; replaces leucine 58 with proline.
Molecular consequence: missense variant.
Genome position (GRCh38, 1-based): chr21:34,887,021, A>G on the plus strand (T>C on the coding strand, the complement: RUNX1 is on the minus strand). VCF-style: chr21-34887021-A-G. GRCh37 (hg19) VCF-style: chr21-36259318-A-G.
Other names: c.92T>C, p.Leu31Pro (NM_001001890.3, NM_001122607.2); short protein forms L58P, L31P.
Identifiers: ClinVar variation 5028562 (VCV005028562.1).

ClinVar aggregate classification (germline): Uncertain significance (1 of 4 stars; one submission).

Conditions:
Inborn genetic diseases. Identifiers: MedGen C0950123, MeSH D030342.

Submission:

Ambry Genetics
Classification: Uncertain significance for Inborn genetic diseases. Last evaluated: 2026-07-02. Review status: criteria provided, single submitter. Criteria: Ambry Variant Classification Scheme 2023. Collection method: clinical testing. Allele origin: germline.
Comment: The p.L58P variant (also known as c.173T>C), located in coding exon 3 of the RUNX1 gene, results from a T to C substitution at nucleotide position 173. The leucine at codon 58 is replaced by proline, an amino acid with similar properties. This amino acid position is conserved. In addition, the in silico prediction for this alteration is inconclusive. Based on the available evidence, the clinical significance of this variant remains unclear.